The following is an entry in ClinVar:

ClinVar aggregate classification (germline): Uncertain significance. Review status: criteria provided, multiple submitters, no conflicts (2 of 4 stars). 2 submissions from 2 submitters: Uncertain significance (2). Last evaluated 2024-09-03.

Conditions:
Inborn genetic diseases. Identifiers: MedGen C0950123, MeSH D030342.
Intellectual developmental disorder, X-linked, syndromic, Hedera type. Also called: Syndromic X-linked intellectual disability Hedera type. Identifiers: Orphanet 93952, MedGen C1845543, MONDO:0010319, OMIM 300423.

Allele frequency attached by ClinVar (database versions not stated): TOPMed below 0.00001; gnomAD exomes 0.00001.
gnomAD v4.1: 9 of 1,207,393 alleles (0.00075%); highest among the groups gnomAD compares: Non-Finnish European, 0.001%; no homozygotes.

Submissions (2):

Labcorp Genetics (formerly Invitae), Labcorp
Classification: Uncertain significance for Intellectual developmental disorder, X-linked, syndromic, Hedera type. Last evaluated: 2024-09-03. Review status: criteria provided, single submitter. Criteria: Invitae Variant Classification Sherloc (09022015). Collection method: clinical testing. Allele origin: germline.
Comment: This sequence change replaces alanine, which is neutral and non-polar, with threonine, which is neutral and polar, at codon 259 of the ATP6AP2 protein (p.Ala259Thr). This variant is not present in population databases (gnomAD no frequency). This variant has not been reported in the literature in individuals affected with ATP6AP2-related conditions. ClinVar contains an entry for this variant (Variation ID: 2550432). Invitae Evidence Modeling of protein sequence and biophysical properties (such as structural, functional, and spatial information, amino acid conservation, physicochemical variation, residue mobility, and thermodynamic stability) indicates that this missense variant is not expected to disrupt ATP6AP2 protein function with a negative predictive value of 80%. In summary, the available evidence is currently insufficient to determine the role of this variant in disease. Therefore, it has been classified as a Variant of Uncertain Significance.

Ambry Genetics
Classification: Uncertain significance for Inborn genetic diseases. Last evaluated: 2023-05-23. Review status: criteria provided, single submitter. Criteria: Ambry Variant Classification Scheme 2023. Collection method: clinical testing. Allele origin: germline.

NM_005765.3(ATP6AP2):c.775G>A (p.Ala259Thr)

Gene: ATP6AP2 (ATPase H+ transporting accessory protein 2; plus strand). Cytogenetic location: Xp11.4.
Variant type: single nucleotide variant.
Coding change: c.775G>A on transcript NM_005765.3 (MANE Select); coding-DNA position 775, G replaced by A.
Protein change: p.Ala259Thr; replaces alanine 259 with threonine.
Molecular consequence: missense variant.
Genome position (GRCh38, 1-based): chrX:40,600,798, G>A. VCF-style: chrX-40600798-G-A. GRCh37 (hg19) VCF-style: chrX-40460050-G-A.
Other names: short protein forms A259T.
Identifiers: ClinVar variation 2550432 (VCV002550432.5), dbSNP rs1926885038, ClinGen allele CA412757549.
Genomic context (GRCh38, chrX:40,600,798, plus strand): 5'-ATAATGTTAATAACTAACTTTCAGTTTGCAGATGACATGTACAGTCTTTATGGTGGGAAT[G>A]CAGTGGTAGAGTTAGTCACTGTCAAGTCATTTGACACCTCCCTCATTAGGAAGACAAGGA-3'
Protein context (NP_005756.2, residues 249-269): DDMYSLYGGN[Ala259Thr]VVELVTVKSF